The following is an entry in ClinVar:

NM_201384.3(PLEC):c.2079G>A (p.Val693=)

Gene: PLEC (plectin; minus strand). Cytogenetic location: 8q24.3.
Variant type: single nucleotide variant.
Coding change: c.2079G>A on transcript NM_201384.3 (MANE Select); coding-DNA position 2079, G replaced by A.
Protein change: p.Val693=; no amino-acid change (valine 693 retained).
Molecular consequence: synonymous variant.
Genome position (GRCh38, 1-based): chr8:143,932,133, C>T on the plus strand (G>A on the coding strand, the complement: PLEC is on the minus strand). VCF-style: chr8-143932133-C-T. GRCh37 (hg19) VCF-style: chr8-145006301-C-T.
Other names: c.2160G>A, p.Val720= (NM_000445.5); c.2037G>A, p.Val679= (NM_201378.4); c.2013G>A, p.Val671= (NM_201379.3); c.2490G>A, p.Val830= (NM_201380.4); c.1983G>A, p.Val661= (NM_201381.3); c.2079G>A, p.Val693= (NM_201382.4); c.2091G>A, p.Val697= (NM_201383.3).
Identifiers: ClinVar variation 855989 (VCV000855989.15), dbSNP rs371155701, ClinGen allele CA4927710.
Genomic context (GRCh38, chr8:143,932,133, plus strand): 5'-GCCTGGGGACCCGGCACGGCCCCCCCCGCAGCCCCGCCCCTACCCAGGGAGCCCCACCTC[C>T]ACCGTGGGCCGGGCCGGGTGGTCCTCCCGCAGCAGCCGGTCCCCAGCATTTTGGAGCTCC-3'
Protein context (NP_958786.1, residues 683-703): LREDHPARPT[Val693=]ESFQAALQTQ

ClinVar aggregate classification (germline): Conflicting classifications of pathogenicity. Review status: criteria provided, conflicting classifications (1 of 4 stars). 5 submissions from 5 submitters: Uncertain significance (4); Likely benign (1). Last evaluated 2026-09-15.

Conditions:
Epidermolysis bullosa simplex, Ogna type (EBS5A). Also called: Pidermolysis bullosa simplex 5A, Ogna type; EPIDERMOLYSIS BULLOSA SIMPLEX 5A, OGNA TYPE. Identifiers: Orphanet 79401, MedGen C0432317, MONDO:0007555, OMIM 131950.
Epidermolysis bullosa simplex 5C, with pyloric atresia (EBS5C). Also called: PLEC1-Related Epidermolysis Bullosa with Pyloric Atresia; PLEC-Related Epidermolysis Bullosa with Pyloric Atresia; Epidermolysis bullosa simplex with pyloric atresia. Identifiers: Orphanet 158684, MedGen C2677349, MONDO:0012807, OMIM 612138.
Autosomal recessive limb-girdle muscular dystrophy type 2Q (LGMDR17). Also called: MUSCULAR DYSTROPHY, LIMB-GIRDLE, AUTOSOMAL RECESSIVE 17. Identifiers: Orphanet 254361, MedGen C3150989, MONDO:0013390, OMIM 613723.
Epidermolysis bullosa simplex with nail dystrophy (EBS5D). Identifiers: MedGen C4225309, MONDO:0014661, OMIM 616487.
Epidermolysis bullosa simplex 5B, with muscular dystrophy (EBS5B). Also called: Epidermolysis bullosa simplex with muscular dystrophy; EPIDERMOLYSIS BULLOSA SIMPLEX AND LIMB-GIRDLE MUSCULAR DYSTROPHY. Identifiers: Orphanet 257, MedGen C2931072, MONDO:0009181, OMIM 226670.
PLEC-related disorder. Also called: PLEC-related condition; PLEC-related disorders.

Allele frequency attached by ClinVar (database versions not stated): ExAC 0.00002; gnomAD exomes 0.00004; gnomAD 0.00005 and 0.00006; TOPMed 0.00008; ESP Exome Variant Server 0.00009.
gnomAD v4.1: 61 of 1,610,590 alleles (0.0038%); highest among the groups gnomAD compares: Non-Finnish European, 0.0051%; no homozygotes.

Submissions (5):

PreventionGenetics, part of Exact Sciences
Classification: Uncertain significance for PLEC-related condition. Last evaluated: 2026-09-15. Review status: criteria provided, single submitter. Criteria: ACMG Guidelines, 2015. Collection method: clinical testing. Allele origin: germline.
Comment: The PLEC c.2160G>A variant is not predicted to result in an amino acid change (p.=). This variant is predicted to alter splicing based on an available splicing prediction program (SpliceAI, Jaganathan et al. 2019. PubMed ID: 30661751). However, the use of computer prediction programs is not equivalent to functional evidence. To our knowledge, this variant has not been reported in the literature. This variant is reported in 0.0093% of alleles in individuals of European (Non-Finnish) descent in gnomAD. At this time, the clinical significance of this variant is uncertain due to the absence of conclusive functional and genetic evidence.

CeGaT Center for Human Genetics Tuebingen
Classification: Uncertain significance. Last evaluated: 2026-03-01. Review status: criteria provided, single submitter. Criteria: CeGaT Center For Human Genetics Tuebingen Variant Classification Criteria Version 2. Collection method: clinical testing. Allele origin: germline. Affected: yes. Observed: 1 variant allele.
Comment: PLEC: PM2, PP3

Labcorp Genetics (formerly Invitae), Labcorp
Classification: Uncertain significance for Autosomal recessive limb-girdle muscular dystrophy type 2Q; Epidermolysis bullosa simplex, Ogna type; Epidermolysis bullosa simplex with nail dystrophy; Epidermolysis bullosa simplex 5C, with pyloric atresia; Epidermolysis bullosa simplex 5B, with muscular dystrophy. Last evaluated: 2025-10-09. Review status: criteria provided, single submitter. Criteria: Invitae Variant Classification Sherloc (09022015). Collection method: clinical testing. Allele origin: germline.
Comment: This sequence change affects codon 720 of the PLEC mRNA. It is a 'silent' change, meaning that it does not change the encoded amino acid sequence of the PLEC protein. This variant is present in population databases (rs371155701, gnomAD 0.009%). This variant has not been reported in the literature in individuals affected with PLEC-related conditions. ClinVar contains an entry for this variant (Variation ID: 855989). Algorithms developed to predict the effect of sequence changes on RNA splicing suggest that this variant may create or strengthen a splice site. In summary, the available evidence is currently insufficient to determine the role of this variant in disease. Therefore, it has been classified as a Variant of Uncertain Significance.

Blueprint Genetics
Classification: Likely benign. Last evaluated: 2024-10-09. Review status: criteria provided, single submitter. Criteria: ACMG Guidelines, 2015. Collection method: clinical testing. Allele origin: germline.

Revvity Omics, Revvity
Classification: Uncertain significance. Last evaluated: 2023-04-25. Review status: criteria provided, single submitter. Criteria: ACMG Guidelines, 2015. Collection method: clinical testing. Allele origin: germline.